The following is an entry in ClinVar:

NM_000038.6(APC):c.2560A>G (p.Arg854Gly)

Gene: APC (APC regulator of Wnt signaling pathway; plus strand). Cytogenetic location: 5q22.2.
Variant type: single nucleotide variant.
Coding change: c.2560A>G on transcript NM_000038.6 (MANE Select); coding-DNA position 2560, A replaced by G.
Protein change: p.Arg854Gly; replaces arginine 854 with glycine.
Molecular consequence: missense variant.
Genome position (GRCh38, 1-based): chr5:112,838,154, A>G. VCF-style: chr5-112838154-A-G. GRCh37 (hg19) VCF-style: chr5-112173851-A-G.
Other names: c.2560A>G, p.Arg854Gly (NM_001127510.3, NM_001354895.2); c.2506A>G, p.Arg836Gly (NM_001127511.3); c.2614A>G, p.Arg872Gly (NM_001354896.2); c.2590A>G, p.Arg864Gly (NM_001354897.2); c.2485A>G, p.Arg829Gly (NM_001354898.2); c.2476A>G, p.Arg826Gly (NM_001354899.2); c.2437A>G, p.Arg813Gly (NM_001354900.2); c.2383A>G, p.Arg795Gly (NM_001354901.2); and 6 more; short protein forms R763G, R813G, R829G, R864G, R872G, R826G, R854G, R728G.
Identifiers: ClinVar variation 1406882 (VCV001406882.10), dbSNP rs1468020473, ClinGen allele CA16026942.

ClinVar aggregate classification (germline): Conflicting classifications of pathogenicity. Review status: criteria provided, conflicting classifications (1 of 4 stars). 3 submissions from 3 submitters: Uncertain significance (2); Likely benign (1). Last evaluated 2025-10-13.

Conditions:
Hereditary cancer-predisposing syndrome. Also called: Hereditary neoplastic syndrome; Hereditary Cancer Syndrome; Neoplastic Syndromes, Hereditary; Tumor predisposition. Identifiers: Orphanet 140162, MedGen C0027672, MeSH D009386, MONDO:0015356.
Familial adenomatous polyposis 1 (FAP1). Also called: POLYPOSIS, ADENOMATOUS INTESTINAL; FAMILIAL ADENOMATOUS POLYPOSIS 1, ATTENUATED. Identifiers: MedGen C2713442, MONDO:0021056, OMIM 175100. Disease mechanism: loss of function.

Allele frequency attached by ClinVar (database versions not stated): gnomAD exomes below 0.00001 and 0.00001.
gnomAD v4.1: 2 of 1,614,174 alleles (0.00012%); highest among the groups gnomAD compares: East Asian, 0.0045%; no homozygotes.

Submissions (3):

Color Diagnostics, LLC DBA Color Health
Classification: Uncertain significance for Hereditary cancer-predisposing syndrome. Last evaluated: 2025-10-13. Review status: criteria provided, single submitter. Criteria: ACMG Guidelines, 2015. Collection method: clinical testing. Allele origin: germline.
Comment: This missense variant replaces arginine with glycine at codon 854 of the APC protein. Computational prediction is inconclusive regarding the impact of this variant on protein structure and function. To our knowledge, functional studies have not been reported for this variant. This variant has not been reported in individuals affected with APC-related disorders in the literature. This variant has been identified in 2/1461884 chromosomes in the general population by the Genome Aggregation Database (gnomAD). The available evidence is insufficient to determine the role of this variant in disease conclusively. Therefore, this variant is classified as a Variant of Uncertain Significance.

Ambry Genetics
Classification: Likely benign for Hereditary cancer-predisposing syndrome. Last evaluated: 2024-12-28. Review status: criteria provided, single submitter. Criteria: Ambry Variant Classification Scheme 2023. Collection method: clinical testing. Allele origin: germline.

Labcorp Genetics (formerly Invitae), Labcorp
Classification: Uncertain significance for Familial adenomatous polyposis 1. Last evaluated: 2024-12-07. Review status: criteria provided, single submitter. Criteria: Invitae Variant Classification Sherloc (09022015). Collection method: clinical testing. Allele origin: germline.
Comment: This sequence change replaces arginine, which is basic and polar, with glycine, which is neutral and non-polar, at codon 854 of the APC protein (p.Arg854Gly). This variant is present in population databases (no rsID available, gnomAD 0.01%). This variant has not been reported in the literature in individuals affected with APC-related conditions. ClinVar contains an entry for this variant (Variation ID: 1406882). Invitae Evidence Modeling of protein sequence and biophysical properties (such as structural, functional, and spatial information, amino acid conservation, physicochemical variation, residue mobility, and thermodynamic stability) indicates that this missense variant is not expected to disrupt APC protein function with a negative predictive value of 95%. In summary, the available evidence is currently insufficient to determine the role of this variant in disease. Therefore, it has been classified as a Variant of Uncertain Significance.